The following is an entry in ClinVar:

ClinVar aggregate classification (germline): Uncertain significance. Review status: criteria provided, multiple submitters, no conflicts (2 of 4 stars). 2 submissions from 2 submitters: Uncertain significance (2). Last evaluated 2025-09-17.

Conditions:
Hereditary cancer-predisposing syndrome. Also called: Tumor predisposition; Hereditary neoplastic syndrome; Neoplastic Syndromes, Hereditary; Hereditary Cancer Syndrome. Identifiers: Orphanet 140162, MedGen C0027672, MeSH D009386, MONDO:0015356.

Allele frequency attached by ClinVar (database versions not stated): gnomAD exomes below 0.00001 and 0.00001; ExAC 0.00001; TOPMed 0.00001.
gnomAD v4.1: 9 of 1,613,670 alleles (0.00056%); highest among the groups gnomAD compares: Non-Finnish European, 0.00076%; no homozygotes.

Submissions (2):

Ambry Genetics
Classification: Uncertain significance for Hereditary cancer-predisposing syndrome. Last evaluated: 2025-09-17. Review status: criteria provided, single submitter. Criteria: Ambry Variant Classification Scheme 2023. Collection method: clinical testing. Allele origin: germline.
Comment: The p.R114K variant (also known as c.341G>A), located in coding exon 3 of the XRCC2 gene, results from a G to A substitution at nucleotide position 341. The arginine at codon 114 is replaced by lysine, an amino acid with highly similar properties. This alteration has been reported in 0/13087 breast cancer cases and 1/5488 control individuals in the UK (Decker B et al. J Med Genet, 2017 11;54:732-741). This amino acid position is highly conserved in available vertebrate species. In addition, the in silico prediction for this alteration is inconclusive. Since supporting evidence is limited at this time, the clinical significance of this alteration remains unclear.

Labcorp Genetics (formerly Invitae), Labcorp
Classification: Uncertain significance. Last evaluated: 2025-04-27. Review status: criteria provided, single submitter. Criteria: Invitae Variant Classification Sherloc (09022015). Collection method: clinical testing. Allele origin: germline.
Comment: This sequence change replaces arginine, which is basic and polar, with lysine, which is basic and polar, at codon 114 of the XRCC2 protein (p.Arg114Lys). This variant is present in population databases (rs779741034, gnomAD 0.0009%). This variant has not been reported in the literature in individuals affected with XRCC2-related conditions. ClinVar contains an entry for this variant (Variation ID: 1361346). Invitae Evidence Modeling of protein sequence and biophysical properties (such as structural, functional, and spatial information, amino acid conservation, physicochemical variation, residue mobility, and thermodynamic stability) indicates that this missense variant is not expected to disrupt XRCC2 protein function with a negative predictive value of 80%. In summary, the available evidence is currently insufficient to determine the role of this variant in disease. Therefore, it has been classified as a Variant of Uncertain Significance.

Literature cited by the submitters: PubMed 28779002 (cited by Ambry Genetics).

NM_005431.2(XRCC2):c.341G>A (p.Arg114Lys)

Gene: XRCC2 (X-ray repair cross complementing 2; minus strand). Cytogenetic location: 7q36.1.
Variant type: single nucleotide variant.
Coding change: c.341G>A on transcript NM_005431.2 (MANE Select); coding-DNA position 341, G replaced by A.
Protein change: p.Arg114Lys; replaces arginine 114 with lysine.
Molecular consequence: missense variant.
Genome position (GRCh38, 1-based): chr7:152,649,144, C>T on the plus strand (G>A on the coding strand, the complement: XRCC2 is on the minus strand). VCF-style: chr7-152649144-C-T. GRCh37 (hg19) VCF-style: chr7-152346229-C-T.
Other names: short protein forms R114K.
Identifiers: ClinVar variation 1361346 (VCV001361346.11), dbSNP rs779741034, ClinGen allele CA4582358.